The following is an entry in ClinVar:

ClinVar aggregate classification (germline): Uncertain significance (1 of 4 stars; one submission).

Conditions:
Malignant hyperthermia, susceptibility to, 1 (MHS1). Also called: Anesthesia related hyperthermia; Malignant hyperpyrexia; Fulminating hyperpyrexia; Pharmacogenic myopathy; RYR1-Related Malignant Hyperthermia Susceptibility; Malignant hyperthermia suceptibility 1. Identifiers: Orphanet 423, MedGen C2930980, MONDO:0007783, OMIM 145600.

Submission:

All of Us Research Program, National Institutes of Health
Classification: Uncertain significance for Malignant hyperthermia, susceptibility to, 1. Last evaluated: 2023-05-16. Review status: criteria provided, single submitter. Criteria: ACMG Guidelines, 2015. Collection method: clinical testing. Allele origin: germline. Inheritance: Autosomal dominant inheritance. Observed: 1 variant allele, 1 heterozygote.
Comment: This missense variant replaces glycine with alanine at codon 2934 of the RYR1 protein. Computational prediction suggests that this variant may have deleterious impact on protein structure and function (internally defined REVEL score threshold >= 0.7, PMID: 27666373). To our knowledge, functional studies have not been reported for this variant. This variant has not been reported in individuals affected with RYR1-related disorders in the literature. This variant has not been identified in the general population by the Genome Aggregation Database (gnomAD). The available evidence is insufficient to determine the role of this variant in disease conclusively. Therefore, this variant is classified as a Variant of Uncertain Significance.

This study involves interpretation of variants in research participants for the purpose of population health screening. Participant phenotype was not available at the time of variant classification. Additional details can be found in publication PMID: 35346344, PMCID: PMC8962531

NM_000540.3(RYR1):c.8801G>C (p.Gly2934Ala)

Gene: RYR1 (ryanodine receptor 1; plus strand). Cytogenetic location: 19q13.2.
Variant type: single nucleotide variant.
Coding change: c.8801G>C on transcript NM_000540.3 (MANE Select); coding-DNA position 8801, G replaced by C.
Protein change: p.Gly2934Ala; replaces glycine 2934 with alanine.
Molecular consequence: missense variant.
Genome position (GRCh38, 1-based): chr19:38,506,937, G>C. VCF-style: chr19-38506937-G-C. GRCh37 (hg19) VCF-style: chr19-38997577-G-C.
Other names: c.8801G>C, p.Gly2934Ala (NM_001042723.2); short protein forms G2934A.
Identifiers: ClinVar variation 3071074 (VCV003071074.1), dbSNP rs2514371108, ClinGen allele CA405681432.